The following is an entry in ClinVar:

ClinVar aggregate classification (germline): Likely pathogenic (1 of 4 stars; one submission).

Submission:

Labcorp Genetics (formerly Invitae), Labcorp
Classification: Likely pathogenic. Last evaluated: 2023-06-11. Review status: criteria provided, single submitter. Criteria: Invitae Variant Classification Sherloc (09022015). Collection method: clinical testing. Allele origin: germline.
Comment: In summary, the currently available evidence indicates that the variant is pathogenic, but additional data are needed to prove that conclusively. Therefore, this variant has been classified as Likely Pathogenic. Algorithms developed to predict the effect of sequence changes on RNA splicing suggest that this variant may disrupt the consensus splice site. This variant has not been reported in the literature in individuals affected with UBR1-related conditions. This variant is not present in population databases (gnomAD no frequency). This sequence change affects a donor splice site in intron 8 of the UBR1 gene. It is expected to disrupt RNA splicing. Variants that disrupt the donor or acceptor splice site typically lead to a loss of protein function (PMID: 16199547), and loss-of-function variants in UBR1 are known to be pathogenic (PMID: 24599544).

Literature cited by the submitters: PubMed 16199547; PubMed 24599544.

NM_174916.3(UBR1):c.985+2T>A

Gene: UBR1 (ubiquitin protein ligase E3 component n-recognin 1; minus strand). Cytogenetic location: 15q15.2.
Variant type: single nucleotide variant.
Coding change: c.985+2T>A on transcript NM_174916.3 (MANE Select); the canonical splice donor site of the intron after coding-DNA position 985, T replaced by A.
Molecular consequence: splice donor variant.
Genome position (GRCh38, 1-based): chr15:43,059,700, A>T on the plus strand (T>A on the coding strand, the complement: UBR1 is on the minus strand). VCF-style: chr15-43059700-A-T. GRCh37 (hg19) VCF-style: chr15-43351898-A-T.
Identifiers: ClinVar variation 2711746 (VCV002711746.3), dbSNP rs2543012612, ClinGen allele CA392077270.